The following is an entry in ClinVar:

ClinVar aggregate classification (germline): Likely benign. Review status: criteria provided, multiple submitters, no conflicts (2 of 4 stars). 2 submissions from 2 submitters: Likely benign (2). Last evaluated 2025-12-25.

Conditions:
Joubert syndrome. Also called: CEREBELLOPARENCHYMAL DISORDER IV; JOUBERT-BOLTSHAUSER SYNDROME; Familial aplasia of the vermis. Identifiers: Orphanet 475, MedGen C5979921, MONDO:0018772.
Nephronophthisis. Also called: Juvenile Nephronophthisis. Identifiers: Orphanet 655, MedGen C0687120, MONDO:0019005, HP:0000090.
Meckel-Gruber syndrome. Also called: DYSENCEPHALIA SPLANCHNOCYSTICA; GRUBER SYNDROME; Dysencephalia splachnocystica. Identifiers: Orphanet 564, MedGen C0265215, MONDO:0018921.
CEP290-related disorder. Also called: CEP290-related disorders; CEP290-related condition. Identifiers: MedGen CN239314.

Submissions (2):

Labcorp Genetics (formerly Invitae), Labcorp
Classification: Likely benign for Joubert syndrome; Meckel-Gruber syndrome; Nephronophthisis. Last evaluated: 2025-12-25. Review status: criteria provided, single submitter. Criteria: Invitae Variant Classification Sherloc (09022015). Collection method: clinical testing. Allele origin: germline.

PreventionGenetics, part of Exact Sciences
Classification: Likely benign for CEP290-related condition. Last evaluated: 2023-12-19. Review status: criteria provided, single submitter. Criteria: ACMG Guidelines, 2015. Collection method: clinical testing. Allele origin: germline.
Comment: This variant is classified as likely benign based on ACMG/AMP sequence variant interpretation guidelines (Richards et al. 2015 PMID: 25741868, with internal and published modifications).

NM_025114.4(CEP290):c.2484-8G>T

Gene: CEP290 (centrosomal protein 290; minus strand). Cytogenetic location: 12q21.32.
Variant type: single nucleotide variant.
Coding change: c.2484-8G>T on transcript NM_025114.4 (MANE Select); 8 bases into the intron before coding-DNA position 2484, G replaced by T.
Molecular consequence: intron variant.
Genome position (GRCh38, 1-based): chr12:88,107,106, C>A on the plus strand (G>T on the coding strand, the complement: CEP290 is on the minus strand). VCF-style: chr12-88107106-C-A. GRCh37 (hg19) VCF-style: chr12-88500883-C-A.
Identifiers: ClinVar variation 3029884 (VCV003029884.3), dbSNP rs1436691712, ClinGen allele CA606675751.
Genomic context (GRCh38, chr12:88,107,106, plus strand): 5'-TTCTCTTTTCCTCTTTTATTGTTTTAGATTCTGTTTTCCAGGTCTCCTTTTCACTAAAAA[C>A]AAAACAAAACAAAAAGACAATACTGTAAACCTAATAAAATGTTTATAAGAAAAGATAACT-3'